The following is an entry in ClinVar:

NM_001015880.2(PAPSS2):c.998T>A (p.Leu333Ter)

Gene: PAPSS2 (3'-phosphoadenosine 5'-phosphosulfate synthase 2; plus strand). Cytogenetic location: 10q23.31.
Variant type: single nucleotide variant.
Coding change: c.998T>A on transcript NM_001015880.2 (MANE Select); coding-DNA position 998, T replaced by A.
Protein change: p.Leu333Ter; replaces leucine 333 with a stop codon.
Molecular consequence: nonsense.
Genome position (GRCh38, 1-based): chr10:87,727,401, T>A. VCF-style: chr10-87727401-T-A. GRCh37 (hg19) VCF-style: chr10-89487158-T-A.
Other names: c.983T>A, p.Leu328Ter (NM_004670.4); short protein forms L328*, L333*.
Identifiers: ClinVar variation 2118414 (VCV002118414.4), dbSNP rs2492847060, ClinGen allele CA377489513.

ClinVar aggregate classification (germline): Pathogenic (1 of 4 stars; one submission).

Conditions:
Spondyloepimetaphyseal dysplasia, PAPSS2 type. Also called: BRACHYOLMIA TYPE 4 WITH MILD EPIPHYSEAL AND METAPHYSEAL CHANGES; SPONDYLODYSPLASIA AND PREMATURE PUBARCHE; SEMD, PAKISTANI TYPE. Identifiers: Orphanet 93282, MedGen C2748516, MONDO:0019666, OMIM 612847.

Submission:

Labcorp Genetics (formerly Invitae), Labcorp
Classification: Pathogenic for Spondyloepimetaphyseal dysplasia, PAPSS2 type. Last evaluated: 2025-01-15. Review status: criteria provided, single submitter. Criteria: Invitae Variant Classification Sherloc (09022015). Collection method: clinical testing. Allele origin: germline.
Comment: This sequence change creates a premature translational stop signal (p.Leu333*) in the PAPSS2 gene. It is expected to result in an absent or disrupted protein product. Loss-of-function variants in PAPSS2 are known to be pathogenic (PMID: 22791835, 23633440). This variant is not present in population databases (gnomAD no frequency). This variant has not been reported in the literature in individuals affected with PAPSS2-related conditions. ClinVar contains an entry for this variant (Variation ID: 2118414). For these reasons, this variant has been classified as Pathogenic.

Literature cited by the submitters: PubMed 22791835; PubMed 23633440.